The following is an entry in ClinVar:

NM_000353.3(TAT):c.814del (p.Ile272fs)

Genes: TAT (tyrosine aminotransferase; minus strand), TAT-AS1 (TAT antisense RNA 1; plus strand). Cytogenetic location: 16q22.2.
Variant type: Deletion.
Coding change: c.814del on transcript NM_000353.3 (MANE Select); coding-DNA position 814, one base deleted (A; older notation c.814delA).
Protein change: p.Ile272fs; shifts the reading frame from isoleucine 272.
Molecular consequence: frameshift variant.
Genome position (GRCh38, 1-based): chr16:71,570,777, T deleted on the plus strand (A on the coding strand, the reverse complement: TAT is on the minus strand). VCF-style (leftmost placement, unchanged base first): chr16-71570776-AT-A. GRCh37 (hg19) VCF-style: chr16-71604679-AT-A.
Other names: short protein forms I272fs.
Identifiers: ClinVar variation 841372 (VCV000841372.8), dbSNP rs2044197900, ClinGen allele CA916083502.
Genomic context (GRCh38, chr16:71,570,776, plus strand): 5'-ATCCAGCCCAACCTCCAGCCAGGAACCAGCCAGCGCTTGGCCAGCCCTCCACAGGACAGG[AT>A]GGGGACATCGGTGCTGAGGGTGGCCAGTGGTTCATATTTGCAATCCGAAAACACCTGAGA-3'

ClinVar aggregate classification (germline): Pathogenic/Likely pathogenic. Review status: criteria provided, multiple submitters, no conflicts (2 of 4 stars). 2 submissions from 2 submitters: Pathogenic (1); Likely pathogenic (1). Last evaluated 2023-04-05.

Conditions:
Tyrosinemia type II (TYRSN2). Also called: OREGON TYPE TYROSINEMIA; TAT DEFICIENCY; TYROSINE AMINOTRANSFERASE DEFICIENCY; TYROSINE TRANSAMINASE DEFICIENCY; KERATOSIS PALMOPLANTARIS WITH CORNEAL DYSTROPHY. Identifiers: Orphanet 28378, MedGen C0268487, MONDO:0010160, OMIM 276600.

Allele frequency attached by ClinVar (database versions not stated): gnomAD exomes below 0.00001.

Submissions (2):

Baylor Genetics
Classification: Likely pathogenic for Tyrosinemia type II. Last evaluated: 2023-04-05. Review status: criteria provided, single submitter. Criteria: ACMG Guidelines, 2015. Collection method: clinical testing. Allele origin: unknown.

Labcorp Genetics (formerly Invitae), Labcorp
Classification: Pathogenic for Tyrosinemia type II. Last evaluated: 2023-02-14. Review status: criteria provided, single submitter. Criteria: Invitae Variant Classification Sherloc (09022015). Collection method: clinical testing. Allele origin: germline.
Comment: This sequence change creates a premature translational stop signal (p.Ile272Serfs*39) in the TAT gene. It is expected to result in an absent or disrupted protein product. Loss-of-function variants in TAT are known to be pathogenic (PMID: 9544843). This variant is not present in population databases (gnomAD no frequency). This variant has not been reported in the literature in individuals affected with TAT-related conditions. ClinVar contains an entry for this variant (Variation ID: 841372). For these reasons, this variant has been classified as Pathogenic.

Literature cited by the submitters: PubMed 9544843 (cited by Labcorp Genetics (formerly Invitae), Labcorp).